The following is an entry in ClinVar:

ClinVar aggregate classification (germline): Likely benign. Review status: criteria provided, single submitter (1 of 4 stars). 2 submissions from 1 submitter: Likely benign (2). Last evaluated 2018-01-13.

Conditions:
Lethal multiple pterygium syndrome (LMPS). Identifiers: Orphanet 33108, MedGen C1854678, MONDO:0009668, OMIM 253290.
Congenital myasthenic syndrome (CMS). Also called: Congenital Myasthenic Syndromes. Identifiers: Orphanet 590, MedGen C0751882, MeSH D020294, MONDO:0018940.

Allele frequency attached by ClinVar (database versions not stated): ExAC below 0.00001; gnomAD exomes 0.00031 and 0.00080; gnomAD 0.00032 and 0.00042; TOPMed 0.00039; 1000 Genomes Project 30x 0.00265; 1000 Genomes Project 0.00280.
gnomAD v4.1: 173 of 454,128 alleles (0.038%); highest among the groups gnomAD compares: East Asian, 0.97%; no homozygotes.

Submissions (2):

Illumina Laboratory Services, Illumina
Classification: Likely benign for Lethal multiple pterygium syndrome. Last evaluated: 2018-01-13. Review status: criteria provided, single submitter. Criteria: ICSL Variant Classification Criteria 13 December 2019. Collection method: clinical testing. Allele origin: germline.
Comment: This variant was observed in the ICSL laboratory as part of a predisposition screen in an ostensibly healthy population. It had not been previously curated by ICSL or reported in the Human Gene Mutation Database (HGMD: prior to June 1st, 2018), and was therefore a candidate for classification through an automated scoring system. Utilizing variant allele frequency, disease prevalence and penetrance estimates, and inheritance mode, an automated score was calculated to assess if this variant is too frequent to cause the disease. Based on the score and internal cut-off values, a variant classified as likely benign is not then subjected to further curation. The score for this variant resulted in a classification of likely benign for this disease.

Illumina Laboratory Services, Illumina
Classification: Likely benign for Congenital myasthenic syndrome. Last evaluated: 2018-01-13. Review status: criteria provided, single submitter. Criteria: ICSL Variant Classification Criteria 13 December 2019. Collection method: clinical testing. Allele origin: germline.
Comment: the same text as in the submission from Illumina Laboratory Services, Illumina above.

NM_000751.3(CHRND):c.*676G>A

Gene: CHRND (cholinergic receptor nicotinic delta subunit; plus strand). Cytogenetic location: 2q37.1.
Variant type: single nucleotide variant.
Coding change: c.*676G>A on transcript NM_000751.3 (MANE Select); 676 bases downstream of the stop codon, G replaced by A.
Molecular consequence: 3 prime UTR variant.
Genome position (GRCh38, 1-based): chr2:232,535,988, G>A. VCF-style: chr2-232535988-G-A. GRCh37 (hg19) VCF-style: chr2-233400698-G-A.
Other names: c.*676G>A (NM_001256657.2, NM_001311195.2, NM_001311196.2).
Identifiers: ClinVar variation 334990 (VCV000334990.5), dbSNP rs183259359, ClinGen allele CA2168440.